The following is an entry in ClinVar:

ClinVar aggregate classification (germline): Uncertain significance (1 of 4 stars; one submission).

Conditions:
Hereditary breast ovarian cancer syndrome. Also called: Hereditary breast and ovarian cancer; Hereditary breast and/or ovarian cancer syndrome; Hereditary breast and ovarian cancer syndrome; Hereditary breast and ovarian cancer syndrome (HBOC); Breast and ovarian cancer; BRCA1- and BRCA2-Associated Hereditary Breast and Ovarian Cancer. Identifiers: Orphanet 145, MedGen C0677776, MeSH D061325, MONDO:0003582. Disease mechanism: loss of function.

Submission:

Labcorp Genetics (formerly Invitae), Labcorp
Classification: Uncertain significance for Hereditary breast ovarian cancer syndrome. Last evaluated: 2021-12-30. Review status: criteria provided, single submitter. Criteria: Invitae Variant Classification Sherloc (09022015). Collection method: clinical testing. Allele origin: germline.
Comment: In summary, the available evidence is currently insufficient to determine the role of this variant in disease. Therefore, it has been classified as a Variant of Uncertain Significance. Advanced modeling of protein sequence and biophysical properties (such as structural, functional, and spatial information, amino acid conservation, physicochemical variation, residue mobility, and thermodynamic stability) performed at Invitae indicates that this missense variant is not expected to disrupt BRCA2 protein function. This variant has not been reported in the literature in individuals affected with BRCA2-related conditions. This variant is not present in population databases (gnomAD no frequency). This sequence change replaces cysteine, which is neutral and slightly polar, with glycine, which is neutral and non-polar, at codon 3173 of the BRCA2 protein (p.Cys3173Gly).

NM_000059.4(BRCA2):c.9517T>G (p.Cys3173Gly)

Gene: BRCA2 (BRCA2 DNA repair associated; plus strand). Cytogenetic location: 13q13.1.
Variant type: single nucleotide variant.
Coding change: c.9517T>G on transcript NM_000059.4 (MANE Select); coding-DNA position 9517, T replaced by G.
Protein change: p.Cys3173Gly; replaces cysteine 3173 with glycine.
Molecular consequence: missense variant.
Genome position (GRCh38, 1-based): chr13:32,396,913, T>G. VCF-style: chr13-32396913-T-G. GRCh37 (hg19) VCF-style: chr13-32971050-T-G.
Other names: c.9421T>G, p.Cys3141Gly (NM_001406719.1); c.9466T>G, p.Cys3156Gly (NM_001406720.1); c.4585T>G, p.Cys1529Gly (NM_001406721.1); c.3100T>G, p.Cys1034Gly (NM_001406722.1); short protein forms C1529G, C3156G, C3173G, C3141G, C1034G.
Identifiers: ClinVar variation 2066174 (VCV002066174.4), dbSNP rs2137658799, ClinGen allele CA387762926.
Genomic context (GRCh38, chr13:32,396,913, plus strand): 5'-GTGGGTTTGCAATTTATAAAGCAGCTTTTCCACTTATTTTCTTAGAATATTGACATACTT[T>G]GCAATGAAGCAGAAAACAAGCTTATGCATATACTGCATGCAAATGATCCCAAGTGGTCCA-3'
Protein context (NP_000050.3, residues 3163-3183): KNTVENIDIL[Cys3173Gly]NEAENKLMHI